The following is an entry in ClinVar:

ClinVar aggregate classification (germline): Uncertain significance (1 of 4 stars; one submission).

Submission:

Labcorp Genetics (formerly Invitae), Labcorp
Classification: Uncertain significance. Last evaluated: 2024-10-29. Review status: criteria provided, single submitter. Criteria: Invitae Variant Classification Sherloc (09022015). Collection method: clinical testing. Allele origin: germline.
Comment: This sequence change replaces leucine, which is neutral and non-polar, with valine, which is neutral and non-polar, at codon 2 of the FGF23 protein (p.Leu2Val). This variant is not present in population databases (gnomAD no frequency). This variant has not been reported in the literature in individuals affected with FGF23-related conditions. Invitae Evidence Modeling of protein sequence and biophysical properties (such as structural, functional, and spatial information, amino acid conservation, physicochemical variation, residue mobility, and thermodynamic stability) indicates that this missense variant is expected to disrupt FGF23 protein function with a positive predictive value of 95%. In summary, the available evidence is currently insufficient to determine the role of this variant in disease. Therefore, it has been classified as a Variant of Uncertain Significance.

NM_020638.3(FGF23):c.4T>G (p.Leu2Val)

Gene: FGF23 (fibroblast growth factor 23; minus strand). Cytogenetic location: 12p13.32.
Variant type: single nucleotide variant.
Coding change: c.4T>G on transcript NM_020638.3 (MANE Select); coding-DNA position 4, T replaced by G.
Protein change: p.Leu2Val; replaces leucine 2 with valine.
Molecular consequence: missense variant.
Genome position (GRCh38, 1-based): chr12:4,379,579, A>C on the plus strand (T>G on the coding strand, the complement: FGF23 is on the minus strand). VCF-style: chr12-4379579-A-C. GRCh37 (hg19) VCF-style: chr12-4488745-A-C.
Other names: short protein forms L2V.
Identifiers: ClinVar variation 3721208 (VCV003721208.2).
Genomic context (GRCh38, chr12:4,379,579, plus strand): 5'-GGACGCTCATGCTGCAGACGCTGCACAAGGCACAGACCCAGAGCCTGAGGCGGGCCCCCA[A>C]CATCGTGCCCTGCTCTGAGTGGCTGGTGCTGAGATTGAAACCTGACACTCCTGTCGGGAC-3'
Protein context (NP_065689.1, residues 1-12): M[Leu2Val]GARLRLWVCA